The following is an entry in ClinVar:

ClinVar aggregate classification (germline): Likely benign. Review status: criteria provided, multiple submitters, no conflicts (2 of 4 stars). 2 submissions from 2 submitters: Likely benign (2). Last evaluated 2023-11-17.

Conditions:
Pyruvate dehydrogenase E1-alpha deficiency (PDHAD). Also called: ATAXIA, INTERMITTENT, WITH ABNORMAL PYRUVATE METABOLISM; Ataxia, intermittent, with pyruvate dehydrogenase, or decarboxylase, deficiency; ATAXIA, INTERMITTENT, WITH PYRUVATE DEHYDROGENASE DEFICIENCY; ATAXIA WITH LACTIC ACIDOSIS I. Identifiers: Orphanet 79243, MedGen C1839413, MONDO:0010717, OMIM 312170.

Allele frequency attached by ClinVar (database versions not stated): gnomAD exomes below 0.00001; ExAC 0.00003; gnomAD 0.00003; TOPMed 0.00004; 1000 Genomes Project 0.00053; 1000 Genomes Project 30x 0.00062.
gnomAD v4.1: 4 of 1,150,277 alleles (0.00035%); highest among the groups gnomAD compares: African/African-American, 0.0053%; no homozygotes.

Submissions (2):

Women's Health and Genetics/Laboratory Corporation of America, LabCorp
Classification: Likely benign. Last evaluated: 2023-11-17. Review status: criteria provided, single submitter. Criteria: LabCorp Variant Classification Summary - May 2015. Collection method: clinical testing. Allele origin: germline.
Comment: Variant summary: PDHA1 c.510+18T>C alters a nucleotide located at a position not widely known to affect splicing. Consensus agreement among computation tools predict no significant impact on normal splicing. However, these predictions have yet to be confirmed by functional studies. The variant allele was found at a frequency of 1.1e-05 in 183379 control chromosomes (gnomAD). The available data on variant occurrences in the general population are insufficient to allow any conclusion about variant significance. To our knowledge, no occurrence of c.510+18T>C in individuals affected with Pyruvate Dehydrogenase Deficiency and no experimental evidence demonstrating its impact on protein function have been reported. No submitters have cited clinical-significance assessments for this variant to ClinVar after 2014. Based on the evidence outlined above, the variant was classified as likely benign.

Labcorp Genetics (formerly Invitae), Labcorp
Classification: Likely benign for Pyruvate dehydrogenase E1-alpha deficiency. Last evaluated: 2023-08-18. Review status: criteria provided, single submitter. Criteria: Invitae Variant Classification Sherloc (09022015). Collection method: clinical testing. Allele origin: germline.

NM_000284.4(PDHA1):c.510+18T>C

Gene: PDHA1 (pyruvate dehydrogenase E1 subunit alpha 1; plus strand). Cytogenetic location: Xp22.12.
Variant type: single nucleotide variant.
Coding change: c.510+18T>C on transcript NM_000284.4 (MANE Select); 18 bases into the intron after coding-DNA position 510, T replaced by C.
Molecular consequence: intron variant.
Genome position (GRCh38, 1-based): chrX:19,353,191, T>C. VCF-style: chrX-19353191-T-C. GRCh37 (hg19) VCF-style: chrX-19371309-T-C.
Other names: c.624+18T>C (NM_001173454.2); c.531+18T>C (NM_001173455.2); c.510+18T>C (NM_001173456.2).
Identifiers: ClinVar variation 2682593 (VCV002682593.4), dbSNP rs775239693, ClinGen allele CA10363045.